The following is an entry in ClinVar:

NM_000520.6(HEXA):c.91C>T (p.Gln31Ter)

Gene: HEXA (hexosaminidase subunit alpha; minus strand). Cytogenetic location: 15q23.
Variant type: single nucleotide variant.
Coding change: c.91C>T on transcript NM_000520.6 (MANE Select); coding-DNA position 91, C replaced by T.
Protein change: p.Gln31Ter; replaces glutamine 31 with a stop codon.
Molecular consequence: nonsense. On other transcripts: non-coding transcript variant (1).
Genome position (GRCh38, 1-based): chr15:72,375,882, G>A on the plus strand (C>T on the coding strand, the complement: HEXA is on the minus strand). VCF-style: chr15-72375882-G-A. GRCh37 (hg19) VCF-style: chr15-72668223-G-A.
Other names: c.91C>T, p.Gln31Ter (NM_001318825.2); short protein forms Q31*.
Identifiers: ClinVar variation 550802 (VCV000550802.5), dbSNP rs556872918, ClinGen allele CA393070571.

ClinVar aggregate classification (germline): Pathogenic. Review status: criteria provided, single submitter (1 of 4 stars). 2 submissions from 2 submitters: Pathogenic (1). 1 of the submissions does not count toward it. Last evaluated 2026-01-11.

Conditions:
Tay-Sachs disease (TSD). Also called: HEXA Disorders; HEXA DEFICIENCY; Hexosaminidase A Deficiency; GM2 gangliosidosis, type 1; Hexosaminidase alpha-subunit deficiency (variant B); Sphingolipidosis, Tay-Sachs. Identifiers: Orphanet 845, MedGen C0039373, MONDO:0010100, OMIM 272800.

Submissions (2):

Labcorp Genetics (formerly Invitae), Labcorp
Classification: Pathogenic for Tay-Sachs disease. Last evaluated: 2026-01-11. Review status: criteria provided, single submitter. Criteria: Invitae Variant Classification Sherloc (09022015). Collection method: clinical testing. Allele origin: germline.
Comment: This sequence change creates a premature translational stop signal (p.Gln31*) in the HEXA gene. It is expected to result in an absent or disrupted protein product. Loss-of-function variants in HEXA are known to be pathogenic (PMID: 1833974, 8490625). This variant is not present in population databases (gnomAD no frequency). This variant has not been reported in the literature in individuals affected with HEXA-related conditions. ClinVar contains an entry for this variant (Variation ID: 550802). For these reasons, this variant has been classified as Pathogenic.

Counsyl
Classification: Likely pathogenic for Tay-Sachs disease. Last evaluated: 2017-10-09. Review status: no assertion criteria provided. Collection method: clinical testing. Allele origin: unknown. Not counted in ClinVar's aggregate classification.

Literature cited by the submitters: PubMed 1833974 (cited by Labcorp Genetics (formerly Invitae), Labcorp); PubMed 8490625 (cited by Labcorp Genetics (formerly Invitae), Labcorp).